The following is an entry in ClinVar:

NC_000011.10:g.(?_62702448)_(62702569_?)del

Genes: BSCL2 (BSCL2 lipid droplet biogenesis associated, seipin; minus strand), HNRNPUL2-BSCL2 (HNRNPUL2-BSCL2 readthrough (NMD candidate); minus strand). Cytogenetic location: 11q12.3.
Variant type: Deletion.
Identifiers: ClinVar variation 543298 (VCV000543298.7).

ClinVar aggregate classification (germline): Pathogenic (1 of 4 stars; one submission).

Conditions:
Charcot-Marie-Tooth disease type 2. Also called: Charcot-Marie-Tooth type 2. Identifiers: Orphanet 64746, MedGen C0270914, MONDO:0018993.

Submission:

Labcorp Genetics (formerly Invitae), Labcorp
Classification: Pathogenic for Charcot-Marie-Tooth disease type 2. Last evaluated: 2017-09-25. Review status: criteria provided, single submitter. Criteria: Invitae Variant Classification Sherloc (09022015). Collection method: clinical testing. Allele origin: germline.
Comment: For these reasons, this variant has been classified as Pathogenic. Loss-of-function variants in BSCL2 are known to be pathogenic (PMID: 11479539). This variant has been reported to segregate with autosomal recessive Berardinelli-Seip congenital lipodystrophy, type 2 in multiple families (PMID: 27868354). This variant is an out-of-frame deletion of the genomic region encompassing exon 3 of the BSCL2 gene. This is expected to create a premature translational stop signal and result in an absent or disrupted protein product.

Literature cited by the submitters: PubMed 11479539; PubMed 27868354.